The following is an entry in ClinVar:

NM_000124.4(ERCC6):c.54A>T (p.Leu18Phe)

Gene: ERCC6 (ERCC excision repair 6, chromatin remodeling factor; minus strand). Cytogenetic location: 10q11.23.
Variant type: single nucleotide variant.
Coding change: c.54A>T on transcript NM_000124.4 (MANE Select); coding-DNA position 54, A replaced by T.
Protein change: p.Leu18Phe; replaces leucine 18 with phenylalanine.
Molecular consequence: missense variant.
Genome position (GRCh38, 1-based): chr10:49,532,911, T>A on the plus strand (A>T on the coding strand, the complement: ERCC6 is on the minus strand). VCF-style: chr10-49532911-T-A. GRCh37 (hg19) VCF-style: chr10-50740957-T-A.
Other names: c.54A>T, p.Leu18Phe (NM_001277058.2, NM_001277059.2, NM_001346440.2); short protein forms L18F.
Identifiers: ClinVar variation 2163792 (VCV002163792.2), dbSNP rs1837506690, ClinGen allele CA376714801.

ClinVar aggregate classification (germline): Uncertain significance. Review status: criteria provided, multiple submitters, no conflicts (2 of 4 stars). 2 submissions from 2 submitters: Uncertain significance (2). Last evaluated 2025-06-24.

Conditions:
Inborn genetic diseases. Identifiers: MedGen C0950123, MeSH D030342.

Allele frequency attached by ClinVar (database versions not stated): TOPMed below 0.00001; gnomAD exomes 0.00001.
gnomAD v4.1: 13 of 1,614,240 alleles (0.00081%); highest among the groups gnomAD compares: Non-Finnish European, 0.0011%; no homozygotes.

Submissions (2):

Ambry Genetics
Classification: Uncertain significance for Inborn genetic diseases. Last evaluated: 2025-06-24. Review status: criteria provided, single submitter. Criteria: Ambry Variant Classification Scheme 2023. Collection method: clinical testing. Allele origin: germline.

Labcorp Genetics (formerly Invitae), Labcorp
Classification: Uncertain significance. Last evaluated: 2022-04-23. Review status: criteria provided, single submitter. Criteria: Invitae Variant Classification Sherloc (09022015). Collection method: clinical testing. Allele origin: germline.
Comment: This sequence change replaces leucine, which is neutral and non-polar, with phenylalanine, which is neutral and non-polar, at codon 18 of the ERCC6 protein (p.Leu18Phe). This variant is not present in population databases (gnomAD no frequency). This variant has not been reported in the literature in individuals affected with ERCC6-related conditions. Algorithms developed to predict the effect of missense changes on protein structure and function (SIFT, PolyPhen-2, Align-GVGD) all suggest that this variant is likely to be tolerated. In summary, the available evidence is currently insufficient to determine the role of this variant in disease. Therefore, it has been classified as a Variant of Uncertain Significance.